The following is an entry in ClinVar:

NM_002180.3(IGHMBP2):c.1362C>T (p.Asp454=)

Gene: IGHMBP2 (immunoglobulin mu DNA binding protein 2; plus strand). Cytogenetic location: 11q13.3.
Variant type: single nucleotide variant.
Coding change: c.1362C>T on transcript NM_002180.3 (MANE Select); coding-DNA position 1362, C replaced by T.
Protein change: p.Asp454=; no amino-acid change (aspartic acid 454 retained).
Molecular consequence: synonymous variant.
Genome position (GRCh38, 1-based): chr11:68,933,425, C>T. VCF-style: chr11-68933425-C-T. GRCh37 (hg19) VCF-style: chr11-68700893-C-T.
Identifiers: ClinVar variation 2931722 (VCV002931722.4), dbSNP rs143134727, ClinGen allele CA223408615.

ClinVar aggregate classification (germline): Likely benign. Review status: criteria provided, single submitter (1 of 4 stars). 2 submissions from 2 submitters: Likely benign (1). 1 of the submissions does not count toward it. Last evaluated 2024-10-05.

Conditions:
IGHMBP2-related disorder. Also called: IGHMBP2-related condition; IGHMBP2-related disorders.
Charcot-Marie-Tooth disease axonal type 2S. Also called: CHARCOT-MARIE-TOOTH NEUROPATHY, TYPE 2S; CHARCOT-MARIE-TOOTH DISEASE, AXONAL, AUTOSOMAL RECESSIVE, TYPE 2S. Identifiers: Orphanet 443073, MedGen C4015349, MONDO:0014511, OMIM 616155.
Autosomal recessive distal spinal muscular atrophy 1. Also called: HMN VI; NEURONOPATHY, SEVERE INFANTILE AXONAL, WITH RESPIRATORY FAILURE; SEVERE INFANTILE AXONAL NEUROPATHY WITH RESPIRATORY FAILURE; SPINAL MUSCULAR ATROPHY, DIAPHRAGMATIC; Spinal muscular atrophy with respiratory distress 1; NEURONOPATHY, DISTAL HEREDITARY MOTOR, HARDING TYPE VI. Identifiers: Orphanet 98920, MedGen C1858517, MONDO:0011436, OMIM 604320.

Allele frequency attached by ClinVar (database versions not stated): gnomAD exomes 0.00001; TOPMed 0.00002; gnomAD 0.00005.
gnomAD v4.1: 10 of 1,613,252 alleles (0.00062%); highest among the groups gnomAD compares: African/African-American, 0.012%; no homozygotes.

Submissions (2):

Labcorp Genetics (formerly Invitae), Labcorp
Classification: Likely benign for Autosomal recessive distal spinal muscular atrophy 1; Charcot-Marie-Tooth disease axonal type 2S. Last evaluated: 2024-10-05. Review status: criteria provided, single submitter. Criteria: Invitae Variant Classification Sherloc (09022015). Collection method: clinical testing. Allele origin: germline.

PreventionGenetics, part of Exact Sciences
Classification: Likely benign for IGHMBP2-related condition. Last evaluated: 2019-05-02. Review status: no assertion criteria provided. Collection method: clinical testing. Allele origin: germline. Not counted in ClinVar's aggregate classification.
Comment: This variant is classified as likely benign based on ACMG/AMP sequence variant interpretation guidelines (Richards et al. 2015 PMID: 25741868, with internal and published modifications).